The following is an entry in ClinVar:

ClinVar aggregate classification (germline): Benign. Review status: criteria provided, single submitter (1 of 4 stars). 2 submissions from 2 submitters: Benign (1). 1 of the submissions does not count toward it. Last evaluated 2026-02-04.

Conditions:
BUB1-related disorder. Also called: BUB1-related condition.

Allele frequency attached by ClinVar (database versions not stated): gnomAD 0.12949; 1000 Genomes Project 0.15795; ExAC 0.07785; ESP Exome Variant Server 0.13409; gnomAD exomes 0.04561; TOPMed 0.14481; 1000 Genomes Project 30x 0.16505.
gnomAD v4.1: 86,670 of 1,611,002 alleles (5.4%); highest among the groups gnomAD compares: African/African-American, 34%; 6,458 homozygotes.

Submissions (2):

Labcorp Genetics (formerly Invitae), Labcorp
Classification: Benign. Last evaluated: 2026-02-04. Review status: criteria provided, single submitter. Criteria: Invitae Variant Classification Sherloc (09022015). Collection method: clinical testing. Allele origin: germline.

PreventionGenetics, part of Exact Sciences
Classification: Benign for BUB1-related condition. Last evaluated: 2024-08-20. Review status: no assertion criteria provided. Collection method: clinical testing. Allele origin: germline. Not counted in ClinVar's aggregate classification.
Comment: This variant is classified as benign based on ACMG/AMP sequence variant interpretation guidelines (Richards et al. 2015 PMID: 25741868, with internal and published modifications).

NM_004336.5(BUB1):c.958-8T>C

Gene: BUB1 (BUB1 mitotic checkpoint serine/threonine kinase; minus strand). Cytogenetic location: 2q13.
Variant type: single nucleotide variant.
Coding change: c.958-8T>C on transcript NM_004336.5 (MANE Select); 8 bases into the intron before coding-DNA position 958, T replaced by C.
Molecular consequence: intron variant.
Genome position (GRCh38, 1-based): chr2:110,661,849, A>G on the plus strand (T>C on the coding strand, the complement: BUB1 is on the minus strand). VCF-style: chr2-110661849-A-G. GRCh37 (hg19) VCF-style: chr2-111419426-A-G.
Other names: c.958-8T>C (NM_004336.4, NM_001278617.2); c.898-8T>C (NM_001278616.2).
Identifiers: ClinVar variation 2799784 (VCV002799784.5), dbSNP rs7609252, ClinGen allele CA1828187.
Genomic context (GRCh38, chr2:110,661,849, plus strand): 5'-GCTCTCAGTTCCTGCTGGGAGCCTACACTTGGCCCCATACGTGCTGGATTAACCTTTCAT[A>G]TTAAACAAACAAACAACAAAAACAAAACCATGAAGTCCAGAATACTACTAATCAGGCATT-3'